The following is an entry in ClinVar:

NM_001199138.2(NLRC4):c.2005T>A (p.Phe669Ile)

Gene: NLRC4 (NLR family CARD domain containing 4; minus strand). Cytogenetic location: 2p22.3.
Variant type: single nucleotide variant.
Coding change: c.2005T>A on transcript NM_001199138.2 (MANE Select); coding-DNA position 2005, T replaced by A.
Protein change: p.Phe669Ile; replaces phenylalanine 669 with isoleucine.
Molecular consequence: missense variant. On other transcripts: intron variant (1).
Genome position (GRCh38, 1-based): chr2:32,249,859, A>T on the plus strand (T>A on the coding strand, the complement: NLRC4 is on the minus strand). VCF-style: chr2-32249859-A-T. GRCh37 (hg19) VCF-style: chr2-32474928-A-T.
Other names: c.2005T>A, p.Phe669Ile (NM_001199139.2, NM_021209.5); c.262+2560T>A (NM_001302504.1); short protein forms F669I.
Identifiers: ClinVar variation 1675776 (VCV001675776.35), dbSNP rs1687024922, ClinGen allele CA346511219.

ClinVar aggregate classification (germline): Uncertain significance. Review status: criteria provided, multiple submitters, no conflicts (2 of 4 stars). 2 submissions from 2 submitters: Uncertain significance (2). Last evaluated 2024-03-01.

Conditions:
Familial cold autoinflammatory syndrome 4 (FCAS4). Identifiers: Orphanet 47045, Orphanet 576349, MedGen C4015276, MONDO:0014498, OMIM 616115.
Periodic fever-infantile enterocolitis-autoinflammatory syndrome. Also called: Autoinflammation with infantile enterocolitis. Identifiers: Orphanet 436166, MedGen C4015067, MONDO:0014472, OMIM 616050.

Allele frequency attached by ClinVar (database versions not stated): TOPMed below 0.00001; gnomAD exomes 0.00001.
gnomAD v4.1: 4 of 1,614,222 alleles (0.00025%); highest among the groups gnomAD compares: Non-Finnish European, 0.00034%; no homozygotes.

Submissions (2):

Labcorp Genetics (formerly Invitae), Labcorp
Classification: Uncertain significance for Periodic fever-infantile enterocolitis-autoinflammatory syndrome; Familial cold autoinflammatory syndrome 4. Last evaluated: 2024-03-01. Review status: criteria provided, single submitter. Criteria: Invitae Variant Classification Sherloc (09022015). Collection method: clinical testing. Allele origin: germline.
Comment: This sequence change replaces phenylalanine, which is neutral and non-polar, with isoleucine, which is neutral and non-polar, at codon 669 of the NLRC4 protein (p.Phe669Ile). This variant is not present in population databases (gnomAD no frequency). This variant has not been reported in the literature in individuals affected with NLRC4-related conditions. ClinVar contains an entry for this variant (Variation ID: 1675776). Advanced modeling of protein sequence and biophysical properties (such as structural, functional, and spatial information, amino acid conservation, physicochemical variation, residue mobility, and thermodynamic stability) performed at Invitae indicates that this missense variant is not expected to disrupt NLRC4 protein function with a negative predictive value of 80%. In summary, the available evidence is currently insufficient to determine the role of this variant in disease. Therefore, it has been classified as a Variant of Uncertain Significance.

CeGaT Center for Human Genetics Tuebingen
Classification: Uncertain significance. Last evaluated: 2022-02-01. Review status: criteria provided, single submitter. Criteria: CeGaT Center For Human Genetics Tuebingen Variant Classification Criteria Version 2. Collection method: clinical testing. Allele origin: germline. Affected: yes. Observed: 1 variant allele.